The following is an entry in ClinVar:

NM_004100.5(EYA4):c.155A>G (p.Lys52Arg)

Gene: EYA4 (EYA transcriptional coactivator and phosphatase 4; plus strand). Cytogenetic location: 6q23.2.
Variant type: single nucleotide variant.
Coding change: c.155A>G on transcript NM_004100.5 (MANE Select); coding-DNA position 155, A replaced by G.
Protein change: p.Lys52Arg; replaces lysine 52 with arginine.
Molecular consequence: missense variant.
Genome position (GRCh38, 1-based): chr6:133,446,701, A>G. VCF-style: chr6-133446701-A-G. GRCh37 (hg19) VCF-style: chr6-133767839-A-G.
Other names: c.155A>G (NM_004100.4); c.155A>G, p.Lys52Arg (NM_001301012.2, NM_001301013.2, NM_001370458.1 and 3 more transcripts); short protein forms K52R.
Identifiers: ClinVar variation 2796495 (VCV002796495.4), dbSNP rs763983145, ClinGen allele CA365838053.

ClinVar aggregate classification (germline): Uncertain significance. Review status: criteria provided, multiple submitters, no conflicts (2 of 4 stars). 2 submissions from 2 submitters: Uncertain significance (2). Last evaluated 2025-01-09.

Conditions:
Dilated cardiomyopathy 1J (CMD1J). Also called: CARDIOMYOPATHY, DILATED, WITH SENSORINEURAL HEARING LOSS, AUTOSOMAL DOMINANT. Identifiers: Orphanet 217622, MedGen C1854368, MONDO:0011541, OMIM 605362.

gnomAD v4.1: 2 of 1,613,942 alleles (0.00012%); highest among the groups gnomAD compares: Non-Finnish European, 0.00017%; no homozygotes.

Submissions (2):

GeneDx
Classification: Uncertain significance. Last evaluated: 2025-01-09. Review status: criteria provided, single submitter. Criteria: GeneDx Variant Classification Process June 2021. Collection method: clinical testing. Allele origin: germline. Affected: yes.
Comment: Not observed at significant frequency in large population cohorts (gnomAD); In silico analysis indicates that this missense variant does not alter protein structure/function; Has not been previously published as pathogenic or benign to our knowledge

Labcorp Genetics (formerly Invitae), Labcorp
Classification: Uncertain significance for Dilated cardiomyopathy 1J. Last evaluated: 2023-02-22. Review status: criteria provided, single submitter. Criteria: Invitae Variant Classification Sherloc (09022015). Collection method: clinical testing. Allele origin: germline.
Comment: This sequence change replaces lysine, which is basic and polar, with arginine, which is basic and polar, at codon 52 of the EYA4 protein (p.Lys52Arg). In summary, the available evidence is currently insufficient to determine the role of this variant in disease. Therefore, it has been classified as a Variant of Uncertain Significance. An algorithm developed to predict the effect of missense changes on protein structure and function (PolyPhen-2) suggests that this variant is likely to be disruptive. This variant has not been reported in the literature in individuals affected with EYA4-related conditions. This variant is present in population databases (no rsID available, gnomAD 0.0009%).